The following is an entry in ClinVar:

ClinVar aggregate classification (germline): Uncertain significance (1 of 4 stars; one submission).

Submission:

Labcorp Genetics (formerly Invitae), Labcorp
Classification: Uncertain significance. Last evaluated: 2025-01-30. Review status: criteria provided, single submitter. Criteria: Invitae Variant Classification Sherloc (09022015). Collection method: clinical testing. Allele origin: germline.
Comment: This sequence change replaces proline, which is neutral and non-polar, with leucine, which is neutral and non-polar, at codon 1132 of the ARID1A protein (p.Pro1132Leu). This variant is present in population databases (no rsID available, gnomAD 0.0009%). This variant has not been reported in the literature in individuals affected with ARID1A-related conditions. Invitae Evidence Modeling of protein sequence and biophysical properties (such as structural, functional, and spatial information, amino acid conservation, physicochemical variation, residue mobility, and thermodynamic stability) indicates that this missense variant is expected to disrupt ARID1A protein function with a positive predictive value of 80%. In summary, the available evidence is currently insufficient to determine the role of this variant in disease. Therefore, it has been classified as a Variant of Uncertain Significance.

NM_006015.6(ARID1A):c.3395C>T (p.Pro1132Leu)

Gene: ARID1A (AT-rich interaction domain 1A; plus strand). Cytogenetic location: 1p36.11.
Variant type: single nucleotide variant.
Coding change: c.3395C>T on transcript NM_006015.6 (MANE Select); coding-DNA position 3395, C replaced by T.
Protein change: p.Pro1132Leu; replaces proline 1132 with leucine.
Molecular consequence: missense variant.
Genome position (GRCh38, 1-based): chr1:26,771,315, C>T. VCF-style: chr1-26771315-C-T. GRCh37 (hg19) VCF-style: chr1-27097806-C-T.
Other names: c.3395C>T, p.Pro1132Leu (NM_139135.4); short protein forms P1132L.
Identifiers: ClinVar variation 4809397 (VCV004809397.1).